The following is an entry in ClinVar:

NM_004727.3(SLC24A1):c.1543G>A (p.Gly515Ser)

Gene: SLC24A1 (solute carrier family 24 member 1; plus strand). Cytogenetic location: 15q22.31.
Variant type: single nucleotide variant.
Coding change: c.1543G>A on transcript NM_004727.3 (MANE Select); coding-DNA position 1543, G replaced by A.
Protein change: p.Gly515Ser; replaces glycine 515 with serine.
Molecular consequence: missense variant.
Genome position (GRCh38, 1-based): chr15:65,625,623, G>A. VCF-style: chr15-65625623-G-A. GRCh37 (hg19) VCF-style: chr15-65917961-G-A.
Other names: c.1543G>A (NM_004727.2); c.1543G>A, p.Gly515Ser (NM_001301031.1, NM_001301032.1, NM_001301033.2); short protein forms G515S.
Identifiers: ClinVar variation 1359915 (VCV001359915.9), dbSNP rs950980457, ClinGen allele CA271588811.

ClinVar aggregate classification (germline): Uncertain significance. Review status: criteria provided, multiple submitters, no conflicts (2 of 4 stars). 3 submissions from 3 submitters: Uncertain significance (3). Last evaluated 2026-03-13.

Conditions:
SLC24A1-related disorder. Also called: SLC24A1-related condition.

Allele frequency attached by ClinVar (database versions not stated): gnomAD exomes below 0.00001; gnomAD 0.00003 and 0.00004; TOPMed 0.00005.
gnomAD v4.1: 11 of 1,613,860 alleles (0.00068%); highest among the groups gnomAD compares: Middle Eastern, 0.016%; no homozygotes.

Submissions (3):

PreventionGenetics, part of Exact Sciences
Classification: Uncertain significance for SLC24A1-related condition. Last evaluated: 2026-03-13. Review status: criteria provided, single submitter. Criteria: ACMG Guidelines, 2015. Collection method: clinical testing. Allele origin: germline.
Comment: The SLC24A1 c.1543G>A variant is predicted to result in the amino acid substitution p.Gly515Ser. To our knowledge, this variant has not been reported in the literature or in a large population database (gnomAD), indicating this variant is rare. At this time, the clinical significance of this variant is uncertain due to the absence of conclusive functional and genetic evidence.

Labcorp Genetics (formerly Invitae), Labcorp
Classification: Uncertain significance. Last evaluated: 2022-10-24. Review status: criteria provided, single submitter. Criteria: Invitae Variant Classification Sherloc (09022015). Collection method: clinical testing. Allele origin: germline.
Comment: In summary, the available evidence is currently insufficient to determine the role of this variant in disease. Therefore, it has been classified as a Variant of Uncertain Significance. Algorithms developed to predict the effect of missense changes on protein structure and function are either unavailable or do not agree on the potential impact of this missense change (SIFT: "Deleterious"; PolyPhen-2: "Probably Damaging"; Align-GVGD: "Class C0"). ClinVar contains an entry for this variant (Variation ID: 1359915). This variant has not been reported in the literature in individuals affected with SLC24A1-related conditions. This variant is not present in population databases (gnomAD no frequency). This sequence change replaces glycine, which is neutral and non-polar, with serine, which is neutral and polar, at codon 515 of the SLC24A1 protein (p.Gly515Ser).

Blueprint Genetics
Classification: Uncertain significance. Last evaluated: 2019-02-08. Review status: criteria provided, single submitter. Criteria: ACMG Guidelines, 2015. Collection method: clinical testing. Allele origin: germline.